The following is an entry in ClinVar:

ClinVar aggregate classification (germline): Conflicting classifications of pathogenicity. Review status: criteria provided, conflicting classifications (1 of 4 stars). 2 submissions from 2 submitters: Uncertain significance (1); Likely benign (1). Last evaluated 2023-10-23.

Conditions:
Tuberous sclerosis 2 (TSC2). Identifiers: Orphanet 805, MedGen C1860707, MONDO:0013199, OMIM 613254.

Submissions (2):

Labcorp Genetics (formerly Invitae), Labcorp
Classification: Uncertain significance for Tuberous sclerosis 2. Last evaluated: 2023-10-23. Review status: criteria provided, single submitter. Criteria: Invitae Variant Classification Sherloc (09022015). Collection method: clinical testing. Allele origin: germline.
Comment: This sequence change replaces histidine, which is basic and polar, with glutamine, which is neutral and polar, at codon 597 of the TSC2 protein (p.His597Gln). This variant is not present in population databases (gnomAD no frequency). This variant has not been reported in the literature in individuals affected with TSC2-related conditions. ClinVar contains an entry for this variant (Variation ID: 256621). Advanced modeling of protein sequence and biophysical properties (such as structural, functional, and spatial information, amino acid conservation, physicochemical variation, residue mobility, and thermodynamic stability) performed at Invitae indicates that this missense variant is not expected to disrupt TSC2 protein function with a negative predictive value of 95%. This variant disrupts the p.His597 amino acid residue in TSC2. Other variant(s) that disrupt this residue have been determined to be pathogenic (PMID: 21407264, 21520333, 22867869, 27060308, 33074564). This suggests that this residue is clinically significant, and that variants that disrupt this residue are likely to be disease-causing. In summary, the available evidence is currently insufficient to determine the role of this variant in disease. Therefore, it has been classified as a Variant of Uncertain Significance.

PreventionGenetics, part of Exact Sciences
Classification: Likely benign. Review status: criteria provided, single submitter. Criteria: ACMG Guidelines, 2015. Collection method: clinical testing. Allele origin: germline.

Literature cited by the submitters: PubMed 21407264 (cited by Labcorp Genetics (formerly Invitae), Labcorp); PubMed 21520333 (cited by Labcorp Genetics (formerly Invitae), Labcorp); PubMed 22867869 (cited by Labcorp Genetics (formerly Invitae), Labcorp); PubMed 27060308 (cited by Labcorp Genetics (formerly Invitae), Labcorp); PubMed 33074564 (cited by Labcorp Genetics (formerly Invitae), Labcorp).

NM_000548.5(TSC2):c.1791C>G (p.His597Gln)

Gene: TSC2 (TSC complex subunit 2; plus strand). Cytogenetic location: 16p13.3.
Variant type: single nucleotide variant.
Coding change: c.1791C>G on transcript NM_000548.5 (MANE Select); coding-DNA position 1791, C replaced by G.
Protein change: p.His597Gln; replaces histidine 597 with glutamine.
Molecular consequence: missense variant.
Genome position (GRCh38, 1-based): chr16:2,070,530, C>G. VCF-style: chr16-2070530-C-G. GRCh37 (hg19) VCF-style: chr16-2120531-C-G.
Other names: c.1791C>G, p.His597Gln (NM_001077183.3, NM_001114382.3, NM_001363528.2 and 3 more transcripts); c.1680C>G, p.His560Gln (NM_001318827.2); c.1644C>G, p.His548Gln (NM_001318829.2); c.1191C>G, p.His397Gln (NM_001318831.2); c.1824C>G, p.His608Gln (NM_001318832.2); short protein forms H597Q, H560Q, H608Q, H397Q, H548Q.
Identifiers: ClinVar variation 256621 (VCV000256621.5), dbSNP rs886038350, ClinGen allele CA10587224.
Genomic context (GRCh38, chr16:2,070,530, plus strand): 5'-CCTGCCTGCAAGCCACGCCACGCGTGTGTATGAGATGCTGGTCAGCCACATTCAGCTCCA[C>G]TACAAGCACAGCTACACCCTGCCAATCGCGAGCAGCATCCGGCTGCAGGTATGGTGGCTG-3'
Protein context (NP_000539.2, residues 587-607): YEMLVSHIQL[His597Gln]YKHSYTLPIA